The following is an entry in ClinVar:

NC_000009.11:g.(?_98079798)_(98279100_?)del

Genes: FANCC (FA complementation group C; minus strand), PTCH1 (patched 1; minus strand). Cytogenetic location: 9q22.32.
Variant type: Deletion.
Identifiers: ClinVar variation 1372219 (VCV001372219.3).

ClinVar aggregate classification (germline): Uncertain significance (1 of 4 stars; one submission).

Conditions:
Fanconi anemia (FA). Also called: Fanconi's anemia. Identifiers: Orphanet 84, MedGen C0015625, MeSH D005199, MONDO:0019391.

Submission:

Labcorp Genetics (formerly Invitae), Labcorp
Classification: Uncertain significance for Fanconi anemia. Last evaluated: 2021-10-02. Review status: criteria provided, single submitter. Criteria: Invitae Variant Classification Sherloc (09022015). Collection method: clinical testing. Allele origin: germline.
Comment: This variant occurs in a non-coding region of the FANCC gene. It does not change the encoded amino acid sequence of the FANCC protein. A similar copy number variant has been observed in individual(s) with Fanconi anemia, however the reported deletion included about 5 kb upstream of FANCC in addition to exon 1 (PMID: 23613520, 31558676). Studies have shown that a similar copy number variant alters FANCC gene expression (PMID: 23613520). In summary, the available evidence is currently insufficient to determine the role of this variant in disease. Therefore, it has been classified as a Variant of Uncertain Significance.

Literature cited by the submitters: PubMed 23613520; PubMed 31558676.